The following is an entry in ClinVar:

NM_015450.3(POT1):c.1238T>C (p.Leu413Pro)

Gene: POT1 (protection of telomeres 1; minus strand). Cytogenetic location: 7q31.33.
Variant type: single nucleotide variant.
Coding change: c.1238T>C on transcript NM_015450.3 (MANE Select); coding-DNA position 1238, T replaced by C.
Protein change: p.Leu413Pro; replaces leucine 413 with proline.
Molecular consequence: missense variant. On other transcripts: non-coding transcript variant (3).
Genome position (GRCh38, 1-based): chr7:124,841,104, A>G on the plus strand (T>C on the coding strand, the complement: POT1 is on the minus strand). VCF-style: chr7-124841104-A-G. GRCh37 (hg19) VCF-style: chr7-124481158-A-G.
Other names: c.1238T>C (NM_015450.2); c.845T>C, p.Leu282Pro (NM_001042594.2); short protein forms L413P, L282P.
Identifiers: ClinVar variation 1407440 (VCV001407440.7), dbSNP rs2116461785, ClinGen allele CA369067489.

ClinVar aggregate classification (germline): Uncertain significance. Review status: criteria provided, multiple submitters, no conflicts (2 of 4 stars). 2 submissions from 2 submitters: Uncertain significance (2). Last evaluated 2025-09-03.

Conditions:
Hereditary cancer-predisposing syndrome. Also called: Tumor predisposition; Neoplastic Syndromes, Hereditary; Hereditary Cancer Syndrome; Hereditary neoplastic syndrome. Identifiers: Orphanet 140162, MedGen C0027672, MeSH D009386, MONDO:0015356.
Tumor predisposition syndrome 3 (TPDS3). Also called: Melanoma, cutaneous malignant, susceptibility to, 10; Glioma susceptibility 9; LONG TELOMERE SYNDROME, POT1-RELATED; POT1 Tumor Predisposition. Identifiers: Orphanet 618, MedGen C4014476, MONDO:0014368, OMIM 615848.

Allele frequency attached by ClinVar (database versions not stated): gnomAD exomes below 0.00001.
gnomAD v4.1: 1 of 1,612,942 alleles (0.000062%); highest among the groups gnomAD compares: Non-Finnish European, 0.000085%; no homozygotes.

Submissions (2):

Labcorp Genetics (formerly Invitae), Labcorp
Classification: Uncertain significance for Tumor predisposition syndrome 3. Last evaluated: 2025-09-03. Review status: criteria provided, single submitter. Criteria: Invitae Variant Classification Sherloc (09022015). Collection method: clinical testing. Allele origin: germline.
Comment: This sequence change replaces leucine, which is neutral and non-polar, with proline, which is neutral and non-polar, at codon 413 of the POT1 protein (p.Leu413Pro). This variant is not present in population databases (gnomAD no frequency). This variant has not been reported in the literature in individuals affected with POT1-related conditions. ClinVar contains an entry for this variant (Variation ID: 1407440). Invitae Evidence Modeling of protein sequence and biophysical properties (such as structural, functional, and spatial information, amino acid conservation, physicochemical variation, residue mobility, and thermodynamic stability) indicates that this missense variant is not expected to disrupt POT1 protein function with a negative predictive value of 80%. In summary, the available evidence is currently insufficient to determine the role of this variant in disease. Therefore, it has been classified as a Variant of Uncertain Significance.

Ambry Genetics
Classification: Uncertain significance for Hereditary cancer-predisposing syndrome. Last evaluated: 2024-09-15. Review status: criteria provided, single submitter. Criteria: Ambry Variant Classification Scheme 2023. Collection method: clinical testing. Allele origin: germline.
Comment: The p.L413P variant (also known as c.1238T>C), located in coding exon 10 of the POT1 gene, results from a T to C substitution at nucleotide position 1238. The leucine at codon 413 is replaced by proline, an amino acid with similar properties. This amino acid position is conserved. In addition, this alteration is predicted to be deleterious by in silico analysis. Based on the available evidence, the clinical significance of this variant remains unclear.